The following is an entry in ClinVar:

ClinVar aggregate classification (germline): Uncertain significance. Review status: criteria provided, multiple submitters, no conflicts (2 of 4 stars). 2 submissions from 2 submitters: Uncertain significance (2). Last evaluated 2025-09-01.

gnomAD v4.1: 41 of 1,614,066 alleles (0.0025%); highest among the groups gnomAD compares: East Asian, 0.045%; no homozygotes.

Submissions (2):

CeGaT Center for Human Genetics Tuebingen
Classification: Uncertain significance. Last evaluated: 2025-09-01. Review status: criteria provided, single submitter. Criteria: CeGaT Center For Human Genetics Tuebingen Variant Classification Criteria Version 2. Collection method: clinical testing. Allele origin: germline. Affected: yes. Observed: 1 variant allele.
Comment: ESPN: PM2, PP3

Blueprint Genetics
Classification: Uncertain significance. Last evaluated: 2022-10-11. Review status: criteria provided, single submitter. Criteria: ACMG Guidelines, 2015. Collection method: clinical testing. Allele origin: germline.

NM_031475.3(ESPN):c.1015C>T (p.Arg339Trp)

Gene: ESPN (espin; plus strand). Cytogenetic location: 1p36.31.
Variant type: single nucleotide variant.
Coding change: c.1015C>T on transcript NM_031475.3 (MANE Select); coding-DNA position 1015, C replaced by T.
Protein change: p.Arg339Trp; replaces arginine 339 with tryptophan.
Molecular consequence: missense variant.
Genome position (GRCh38, 1-based): chr1:6,444,505, C>T. VCF-style: chr1-6444505-C-T. GRCh37 (hg19) VCF-style: chr1-6504565-C-T.
Other names: c.1015C>T, p.Arg339Trp (NM_001367473.1, NM_001367474.1); short protein forms R339W.
Identifiers: ClinVar variation 4281097 (VCV004281097.8).